The following is an entry in ClinVar:

NM_018089.3(ANKZF1):c.325C>G (p.Leu109Val)

Gene: ANKZF1 (ankyrin repeat and zinc finger peptidyl tRNA hydrolase 1; plus strand). Cytogenetic location: 2q35.
Variant type: single nucleotide variant.
Coding change: c.325C>G on transcript NM_018089.3 (MANE Select); coding-DNA position 325, C replaced by G.
Protein change: p.Leu109Val; replaces leucine 109 with valine.
Molecular consequence: missense variant. On other transcripts: intron variant (1).
Genome position (GRCh38, 1-based): chr2:219,232,323, C>G. VCF-style: chr2-219232323-C-G. GRCh37 (hg19) VCF-style: chr2-220097045-C-G.
Other names: c.325C>G, p.Leu109Val (NM_001042410.2); c.-266-167C>G (NM_001282792.2); short protein forms L109V.
Identifiers: ClinVar variation 1377281 (VCV001377281.8), dbSNP rs779792670, ClinGen allele CA350672963.

ClinVar aggregate classification (germline): Uncertain significance (1 of 4 stars; one submission).

Allele frequency attached by ClinVar (database versions not stated): gnomAD 0.00001.

Submission:

Labcorp Genetics (formerly Invitae), Labcorp
Classification: Uncertain significance. Last evaluated: 2022-12-06. Review status: criteria provided, single submitter. Criteria: Invitae Variant Classification Sherloc (09022015). Collection method: clinical testing. Allele origin: germline.
Comment: This sequence change replaces leucine, which is neutral and non-polar, with valine, which is neutral and non-polar, at codon 109 of the ANKZF1 protein (p.Leu109Val). This variant is not present in population databases (gnomAD no frequency). This variant has not been reported in the literature in individuals affected with ANKZF1-related conditions. ClinVar contains an entry for this variant (Variation ID: 1377281). Algorithms developed to predict the effect of missense changes on protein structure and function output the following: SIFT: "Tolerated"; PolyPhen-2: "Benign"; Align-GVGD: "Class C0". The valine amino acid residue is found in multiple mammalian species, which suggests that this missense change does not adversely affect protein function. In summary, the available evidence is currently insufficient to determine the role of this variant in disease. Therefore, it has been classified as a Variant of Uncertain Significance.